The following is an entry in ClinVar:

ClinVar aggregate classification (germline): Pathogenic/Likely pathogenic. Review status: criteria provided, multiple submitters, no conflicts (2 of 4 stars). 2 submissions from 2 submitters: Pathogenic (1); Likely pathogenic (1). Last evaluated 2021-08-28.

Conditions:
Leukocyte adhesion deficiency 1 (LAD1). Also called: LEUKOCYTE ADHESION DEFICIENCY, TYPE I; LAD 1; Lymphocyte function-associated antigen 1 immunodeficiency; LFA 1 immunodeficiency. Identifiers: Orphanet 2968, Orphanet 99842, MedGen C0398738, MONDO:0007293, OMIM 116920.

gnomAD v4.1: 6 of 1,614,082 alleles (0.00037%); highest among the groups gnomAD compares: Non-Finnish European, 0.00051%; no homozygotes.

Submissions (2):

Labcorp Genetics (formerly Invitae), Labcorp
Classification: Pathogenic for Leukocyte adhesion deficiency 1. Last evaluated: 2021-08-28. Review status: criteria provided, single submitter. Criteria: Invitae Variant Classification Sherloc (09022015). Collection method: clinical testing. Allele origin: germline.
Comment: This sequence change creates a premature translational stop signal (p.Arg108*) in the ITGB2 gene. It is expected to result in an absent or disrupted protein product. Loss-of-function variants in ITGB2 are known to be pathogenic (PMID: 22134107, 25703682). This variant is not present in population databases (ExAC no frequency). This premature translational stop signal has been observed in individuals with leukocyte adhesion deficiency type 1 (PMID: 25703682; Invitae). For these reasons, this variant has been classified as Pathogenic.

Center for Medical Genetics, GenVams Trust
Classification: Likely pathogenic for Leukocyte adhesion deficiency 1. Last evaluated: 2017-03-16. Review status: criteria provided, single submitter. Criteria: ACMG Guidelines, 2015. Collection method: clinical testing, phenotyping only. Allele origin: unknown. Inheritance: Autosomal recessive inheritance. Affected: no and yes. Observed: 2 heterozygotes. Clinical features observed: Increased total leukocyte count (HP:0001974), Umbilical hernia (HP:0001537), Recurrent gram-negative bacterial infections (HP:0005420), Failure to thrive (HP:0001508), Chronic oral candidiasis (HP:0009098), Erythema (HP:0010783), Sepsis (HP:0100806).
Comment: The c.322C>T (p.Arg108Ter) variation in the ITGB2 gene has been reported in (Madkaikar et.al, 2015). This article explains about a study that was conducted to identify the molecular defects underlying LAD-I in Indian patients and to correlate these with the clinical presentations. Of the 30 patients that were studied, 9 novel mutations were found in 9 different individuals and the Arg108Ter variant is one among them. Based on this citation, the variant has been classified as likely pathogenic. They had two affected children who passed away within one year of birth. They were both found to be unaffected heterozygous carriers of this variant. The children had been diagnosed with LAD but no genetic testing was done to confirm the diagnosis.

Literature cited by the submitters: PubMed 22134107 (cited by Labcorp Genetics (formerly Invitae), Labcorp); PubMed 25703682 (cited by Labcorp Genetics (formerly Invitae), Labcorp).

NM_000211.5(ITGB2):c.322C>T (p.Arg108Ter)

Gene: ITGB2 (integrin subunit beta 2; minus strand). Cytogenetic location: 21q22.3.
Variant type: single nucleotide variant.
Coding change: c.322C>T on transcript NM_000211.5 (MANE Select); coding-DNA position 322, C replaced by T.
Protein change: p.Arg108Ter; replaces arginine 108 with a stop codon.
Molecular consequence: nonsense.
Genome position (GRCh38, 1-based): chr21:44,906,921, G>A on the plus strand (C>T on the coding strand, the complement: ITGB2 is on the minus strand). VCF-style: chr21-44906921-G-A. GRCh37 (hg19) VCF-style: chr21-46326836-G-A.
Other names: c.322C>T, p.Arg108Ter (NM_001127491.3); c.115C>T, p.Arg39Ter (NM_001303238.2); short protein forms R108*, R39*.
Identifiers: ClinVar variation 625847 (VCV000625847.10), dbSNP rs772471533, ClinGen allele CA410479487.